The following is an entry in ClinVar:

NM_001206927.2(DNAH8):c.6239T>C (p.Leu2080Ser)

Gene: DNAH8 (dynein axonemal heavy chain 8; plus strand). Cytogenetic location: 6p21.2.
Variant type: single nucleotide variant.
Coding change: c.6239T>C on transcript NM_001206927.2 (MANE Select); coding-DNA position 6239, T replaced by C.
Protein change: p.Leu2080Ser; replaces leucine 2080 with serine.
Molecular consequence: missense variant.
Genome position (GRCh38, 1-based): chr6:38,862,387, T>C. VCF-style: chr6-38862387-T-C. GRCh37 (hg19) VCF-style: chr6-38830163-T-C.
Other names: c.5588T>C, p.Leu1863Ser (NM_001371.4); short protein forms L2080S, L1863S.
Identifiers: ClinVar variation 855975 (VCV000855975.10), dbSNP rs1776704936, ClinGen allele CA364022175.
Genomic context (GRCh38, chr6:38,862,387, plus strand): 5'-CTCCCGCAGGACCTGCTGGCACTGGCAAAACAGAAACCACAAAAGACATGGGAAGGTGTT[T>C]GGGAAAATATGTGGTCGTGTTCAATTGCTCAGATCAAATGGATTTCAGAGGCCTAGGAAG-3'
Protein context (NP_001193856.1, residues 2070-2090): TETTKDMGRC[Leu2080Ser]GKYVVVFNCS

ClinVar aggregate classification (germline): Uncertain significance (1 of 4 stars; one submission).

Conditions:
Primary ciliary dyskinesia. Also called: Ciliary dyskinesia. Identifiers: Orphanet 244, MedGen C0008780, MONDO:0016575, HP:0012265.

Allele frequency attached by ClinVar (database versions not stated): gnomAD exomes below 0.00001.
gnomAD v4.1: 2 of 1,614,140 alleles (0.00012%); highest among the groups gnomAD compares: Non-Finnish European, 0.00017%; no homozygotes.

Submission:

Labcorp Genetics (formerly Invitae), Labcorp
Classification: Uncertain significance for Primary ciliary dyskinesia. Last evaluated: 2022-07-05. Review status: criteria provided, single submitter. Criteria: Invitae Variant Classification Sherloc (09022015). Collection method: clinical testing. Allele origin: germline.
Comment: This sequence change replaces leucine, which is neutral and non-polar, with serine, which is neutral and polar, at codon 2080 of the DNAH8 protein (p.Leu2080Ser). In summary, the available evidence is currently insufficient to determine the role of this variant in disease. Therefore, it has been classified as a Variant of Uncertain Significance. Algorithms developed to predict the effect of sequence changes on RNA splicing suggest that this variant may create or strengthen a splice site. Algorithms developed to predict the effect of missense changes on protein structure and function are either unavailable or do not agree on the potential impact of this missense change (SIFT: "Deleterious"; PolyPhen-2: "Not Available"; Align-GVGD: "Class C0"). ClinVar contains an entry for this variant (Variation ID: 855975). This variant has not been reported in the literature in individuals affected with DNAH8-related conditions. This variant is not present in population databases (gnomAD no frequency).